The following is an entry in ClinVar:

NM_020754.4(ARHGAP31):c.1535C>T (p.Pro512Leu)

Gene: ARHGAP31 (Rho GTPase activating protein 31; plus strand). Cytogenetic location: 3q13.33.
Variant type: single nucleotide variant.
Coding change: c.1535C>T on transcript NM_020754.4 (MANE Select); coding-DNA position 1535, C replaced by T.
Protein change: p.Pro512Leu; replaces proline 512 with leucine.
Molecular consequence: missense variant.
Genome position (GRCh38, 1-based): chr3:119,402,287, C>T. VCF-style: chr3-119402287-C-T. GRCh37 (hg19) VCF-style: chr3-119121134-C-T.
Other names: short protein forms P512L.
Identifiers: ClinVar variation 2631408 (VCV002631408.2), dbSNP rs2080618615, ClinGen allele CA354039913.

ClinVar aggregate classification (germline): Uncertain significance (1 of 4 stars; one submission).

Conditions:
ARHGAP31-related disorder. Also called: ARHGAP31-related condition.

gnomAD v4.1: 1 of 1,614,256 alleles (0.000062%); highest among the groups gnomAD compares: South Asian, 0.0011%; no homozygotes.

Submission:

PreventionGenetics, part of Exact Sciences
Classification: Uncertain significance for ARHGAP31-related condition. Last evaluated: 2026-01-07. Review status: criteria provided, single submitter. Criteria: ACMG Guidelines, 2015. Collection method: clinical testing. Allele origin: germline.
Comment: The ARHGAP31 c.1535C>T variant is predicted to result in the amino acid substitution p.Pro512Leu. To our knowledge, this variant has not been reported in the literature or in a large population database (gnomAD), indicating this variant is rare. At this time, the clinical significance of this variant is uncertain due to the absence of conclusive functional and genetic evidence.